The following is an entry in ClinVar:

ClinVar aggregate classification (germline): Likely pathogenic (1 of 4 stars; one submission).

Submission:

Labcorp Genetics (formerly Invitae), Labcorp
Classification: Likely pathogenic. Last evaluated: 2021-10-11. Review status: criteria provided, single submitter. Criteria: Invitae Variant Classification Sherloc (09022015). Collection method: clinical testing. Allele origin: germline.
Comment: This sequence change affects a donor splice site in intron 15 of the ELP1 gene. It is expected to disrupt RNA splicing. Variants that disrupt the donor or acceptor splice site typically lead to a loss of protein function (PMID: 16199547), and loss-of-function variants in ELP1 are known to be pathogenic (PMID: 18303054, 24173031). This variant is not present in population databases (ExAC no frequency). This variant has not been reported in the literature in individuals affected with ELP1-related conditions. Algorithms developed to predict the effect of sequence changes on RNA splicing suggest that this variant may disrupt the consensus splice site. In summary, the currently available evidence indicates that the variant is pathogenic, but additional data are needed to prove that conclusively. Therefore, this variant has been classified as Likely Pathogenic.

Literature cited by the submitters: PubMed 16199547; PubMed 18303054; PubMed 24173031.

NM_003640.5(ELP1):c.1750+1G>A

Gene: ELP1 (elongator acetyltransferase complex subunit 1; minus strand). Cytogenetic location: 9q31.3.
Variant type: single nucleotide variant.
Coding change: c.1750+1G>A on transcript NM_003640.5 (MANE Select); the canonical splice donor site of the intron after coding-DNA position 1750, G replaced by A.
Molecular consequence: splice donor variant.
Genome position (GRCh38, 1-based): chr9:108,903,562, C>T on the plus strand (G>A on the coding strand, the complement: ELP1 is on the minus strand). VCF-style: chr9-108903562-C-T. GRCh37 (hg19) VCF-style: chr9-111665842-C-T.
Other names: c.1408+1G>A (NM_001318360.2); c.703+1G>A (NM_001330749.2).
Identifiers: ClinVar variation 1466248 (VCV001466248.6), dbSNP rs770668926, ClinGen allele CA197538829.